The following is an entry in ClinVar:

NM_004813.4(PEX16):c.778C>A (p.Leu260Met)

Gene: PEX16 (peroxisomal biogenesis factor 16; minus strand). Cytogenetic location: 11p11.2.
Variant type: single nucleotide variant.
Coding change: c.778C>A on transcript NM_004813.4 (MANE Select); coding-DNA position 778, C replaced by A.
Protein change: p.Leu260Met; replaces leucine 260 with methionine.
Molecular consequence: missense variant.
Genome position (GRCh38, 1-based): chr11:45,913,928, G>T on the plus strand (C>A on the coding strand, the complement: PEX16 is on the minus strand). VCF-style: chr11-45913928-G-T. GRCh37 (hg19) VCF-style: chr11-45935479-G-T.
Other names: c.778C>A, p.Leu260Met (NM_057174.3); c.778C>A (NM_004813.2); short protein forms L260M.
Identifiers: ClinVar variation 2110884 (VCV002110884.2), dbSNP rs769033920, ClinGen allele CA380226383.
Genomic context (GRCh38, chr11:45,913,928, plus strand): 5'-GGATGGTCCGGCGCCGCAGCTCCCGCCGCTCCCTCCGGGTCAGGCCCTTTCTGTCACTCA[G>T]GAGGCTCAGGCTGGGAGGCAGGGAGGACATGGTCAGGGCCAGGGGCATGATCTAGGCCCA-3'
Protein context (NP_004804.2, residues 250-270): GVVDVTSLSL[Leu260Met]SDRKGLTRRE

ClinVar aggregate classification (germline): Uncertain significance. Review status: criteria provided, multiple submitters, no conflicts (2 of 4 stars). 2 submissions from 2 submitters: Uncertain significance (2). Last evaluated 2024-11-25.

Conditions:
Inborn genetic diseases. Identifiers: MedGen C0950123, MeSH D030342.
Peroxisome biogenesis disorder. Identifiers: Orphanet 79189, MedGen C1832200, MONDO:0019234. Disease mechanism: loss of function.

Allele frequency attached by ClinVar (database versions not stated): TOPMed below 0.00001.

Submissions (2):

Ambry Genetics
Classification: Uncertain significance for Inborn genetic diseases. Last evaluated: 2024-11-25. Review status: criteria provided, single submitter. Criteria: Ambry Variant Classification Scheme 2023. Collection method: clinical testing. Allele origin: germline.

Labcorp Genetics (formerly Invitae), Labcorp
Classification: Uncertain significance for Peroxisome biogenesis disorder. Last evaluated: 2022-03-13. Review status: criteria provided, single submitter. Criteria: Invitae Variant Classification Sherloc (09022015). Collection method: clinical testing. Allele origin: germline.
Comment: This sequence change replaces leucine, which is neutral and non-polar, with methionine, which is neutral and non-polar, at codon 260 of the PEX16 protein (p.Leu260Met). This variant is not present in population databases (gnomAD no frequency). This variant has not been reported in the literature in individuals affected with PEX16-related conditions. Algorithms developed to predict the effect of missense changes on protein structure and function are either unavailable or do not agree on the potential impact of this missense change (SIFT: "Deleterious"; PolyPhen-2: "Possibly Damaging"; Align-GVGD: "Class C0"). In summary, the available evidence is currently insufficient to determine the role of this variant in disease. Therefore, it has been classified as a Variant of Uncertain Significance.